The following is an entry in ClinVar:

NM_000518.5(HBB):c.52A>T (p.Lys18Ter)

Genes: HBB (hemoglobin subunit beta; minus strand), LOC106099062 (HBB recombination region; plus strand), LOC107133510 (origin of replication at HBB; plus strand). Cytogenetic location: 11p15.4.
Variant type: single nucleotide variant.
Coding change: c.52A>T on transcript NM_000518.5 (MANE Select); coding-DNA position 52, A replaced by T.
Protein change: p.Lys18Ter; replaces lysine 18 with a stop codon.
Molecular consequence: nonsense.
Genome position (GRCh38, 1-based): chr11:5,226,970, T>A on the plus strand (A>T on the coding strand, the complement: HBB is on the minus strand). VCF-style: chr11-5226970-T-A. GRCh37 (hg19) VCF-style: chr11-5248200-T-A.
Other names: K17*; 17A>T; CD 17 (AAG>TAG); short protein forms K18*.
Identifiers: ClinVar variation 15401 (VCV000015401.133), dbSNP rs33986703, ClinGen allele CA125257.
Genomic context (GRCh38, chr11:5,226,970, plus strand): 5'-CTTGTAACCTTGATACCAACCTGCCCAGGGCCTCACCACCAACTTCATCCACGTTCACCT[T>A]GCCCCACAGGGCAGTAACGGCAGACTTCTCCTCAGGAGTCAGATGCACCATGGTGTCTGT-3'

ClinVar aggregate classification (germline): Pathogenic. Review status: reviewed by expert panel (3 of 4 stars). 24 submissions from 22 submitters: Pathogenic (1). 23 of the submissions do not count toward it. Last evaluated 2026-04-30.

Conditions:
Beta-thalassemia HBB/LCRB. Identifiers: MedGen CN322236, MONDO:0013517, OMIM 613985.
Dominant beta-thalassemia. Also called: Beta-thalassemia, dominant inclusion body type. Identifiers: Orphanet 231226, Orphanet 848, MedGen C1858990, MONDO:0011381, OMIM 603902.
Erythrocytosis, familial, 6. Also called: ERYTHROCYTOSIS, BETA-GLOBIN TYPE; POLYCYTHEMIA, BETA-GLOBIN TYPE. Identifiers: MedGen C4693822, MONDO:0054801, OMIM 617980.
Malaria, susceptibility to. Identifiers: Orphanet 673, MedGen C1970028, MONDO:0021024, OMIM 611162.
Hereditary persistence of fetal hemoglobin. Identifiers: MedGen C0019025, MONDO:0020989, OMIM 141749.
METHEMOGLOBINEMIA, BETA TYPE. Also called: Methemoglobinemia, beta-globin type. Identifiers: MedGen C1840779, OMIM 617971.
Heinz body anemia. Also called: Heinz body hemolytic anemia. Identifiers: Orphanet 178330, MedGen C0700299, MONDO:0007705, OMIM 140700, HP:0005511.
Hb SS disease (SCD). Also called: Hemoglobin SS; Sickle cell disease; HbS disease; Hemoglobin S Disease; Sickling disorder due to hemoglobin S; Sickle cell anemia. Identifiers: Orphanet 232, Orphanet 275752, MedGen C0002895, MONDO:0011382, OMIM 603903.
alpha Thalassemia. Also called: Alpha thalassemia spectrum. Identifiers: Orphanet 846, MedGen C0002312, MONDO:0011399, OMIM 604131.
HBB-related disorder. Also called: HBB-related disorders; HBB-related condition. Identifiers: MedGen CN239378.
beta Thalassemia (BTHAL). Also called: Cooley's anemia; Erythroblastic anemia; Mediterranean anemia. Identifiers: Orphanet 848, MedGen C0005283, MONDO:0019402. Disease mechanism: loss of function.
Fetal hemoglobin quantitative trait locus 1 (HBFQTL1). Identifiers: Orphanet 251380, MedGen C1841621.
Beta zero thalassemia. Identifiers: MedGen C0271980.

Allele frequency attached by ClinVar (database versions not stated): gnomAD 0.00006 and 0.00002; gnomAD exomes 0.00006 and 0.00001; 1000 Genomes Project 30x 0.00094; TOPMed 0.00002; ExAC 0.00002; 1000 Genomes Project 0.00120.
gnomAD v4.1: 19 of 1,614,014 alleles (0.0012%); highest among the groups gnomAD compares: East Asian, 0.04%; no homozygotes.

Submissions 1 to 7 of 24:

ClinGen Hemoglobinopathy Variant Curation Expert Panel, ClinGen
Classification: Pathogenic for Beta-thalassemia HBB/LCRB. Last evaluated: 2026-04-30. Review status: reviewed by expert panel. Criteria: ClinGen Hb Opathy ACMG Specifications HBB V1.0.0. Collection method: curation. Allele origin: germline. Inheritance: Autosomal recessive inheritance.
Comment: The c.52A>T (p.Lys18*) variant in HBB is a nonsense variant predicted to cause loss of function of the protein [PVS1_S; PMID: 68654]. The variant has been reported to segregate with beta thalassemia intermedia in 3 affected family members from 3 families. The total number of unaffected segregations is 1, giving a total LOD score of 1.93 [PP1_M; PMID: 31579136; 26029792; 88735]. This variant has been detected in 5 individuals with beta thalassemia. Of those individuals, 3 were compound heterozygous for the variant and a pathogenic variant, confirmed in trans by family testing, and 2 individuals were homozygous for the variant. Total PM3 points are 4.0 [PM3_VS; PMID: 88735; 31579136; 26029792; 31037981; 11168520]. This variant has been reported in 3 unrelated individuals displaying a hematological phenotype consistent with beta-thalassemia trait with reduced MCV (<79 fl) and MCH (<27 pg) and increased HbA2 (>3.5%), giving a total score of 4.5 [PS4; PMID: 31579136; 11168520; 26029792]. The minor allele frequency in gnomAD v4.1 is 0.00001177 (19/1614014 alleles), which is lower than the ClinGen Hemoglobinopathy VCEP threshold <0.0001 for PM2_Supporting, and therefore meets this criterion [PM2_P]. In summary, this variant meets the criteria to be classified as pathogenic for beta-thalassemia HBB/LCRB (MONDO:0013517) in an autosomal recessive manner based on the ACMG/AMP criteria applied, as specified by the ClinGen Hemoglobinopathy VECP (specification version 1.0.0): PVS1_S, PM3_VS, PP1_M, PS4, PM2_P

Department of Otolaryngology Head and Neck Surgery, Hainan Hospital of the Chinese People’s Liberation Army General Hospital
Classification: Pathogenic for Beta-thalassemia HBB/LCRB. Last evaluated: 2026-02-01. Review status: criteria provided, single submitter. Criteria: ACMG Guidelines, 2015. Collection method: clinical testing. Allele origin: germline. Affected: yes. Not counted in ClinVar's aggregate classification.
Comment: This variant is a single nucleotide substitution in the beta-globin gene (HBB:c.52A>T, p.Lys18Ter), commonly known as the CD17 (AAG>TAG) or CD17 (A→T) mutation. This nonsense mutation creates a premature stop codon at codon 18 of the beta-globin chain, resulting in a non-functional beta-globin protein and a β0-thalassemia phenotype. The CD17 mutation is one of the most prevalent beta-thalassemia mutations in Asian populations, particularly in China. It has been reported as one of the most common beta-thalassemia mutations in Guangdong province (frequency of 10.03%) and Guangxi province (carrier rate of 1.23%). Individuals homozygous for this mutation or compound heterozygous with other beta-thalassemia mutations typically present with beta-thalassemia major, characterized by severe microcytic hypochromic anemia and transfusion dependency. Heterozygotes have a phenotype of beta-thalassemia trait, with mild microcytosis and elevated HbA2 levels. The classification of this variant as pathogenic is based on its well-established role in completely abolishing beta-globin chain synthesis, leading to the characteristic hematological features of beta-thalassemia.

Natera, Inc.
Classification: Pathogenic for Beta thalassemia. Last evaluated: 2025-12-10. Review status: criteria provided, single submitter. Criteria: Natera Variant Classification Schema (03/2026). Collection method: clinical testing. Allele origin: germline. Not counted in ClinVar's aggregate classification.
Comment: The c.52A>T variant in HBB is a nonsense variant predicted to introduce a stop codon at amino acid 18. This variant is expected to result in nonsense mediated decay, truncation, or a dysfunctional protein product. This variant is rare in the general population with a frequency below the threshold expected for the associated phenotype(s). This variant has been observed in one or more individuals affected with the associated recessive disease, as either homozygous or compound heterozygous with a second variant (PMID: 33735615). Given the available evidence, this variant is classified as Pathogenic.

Labcorp Genetics (formerly Invitae), Labcorp
Classification: Pathogenic. Last evaluated: 2025-10-17. Review status: criteria provided, single submitter. Criteria: Invitae Variant Classification Sherloc (09022015). Collection method: clinical testing. Allele origin: germline. Not counted in ClinVar's aggregate classification.
Comment: This sequence change creates a premature translational stop signal (p.Lys18*) in the HBB gene. It is expected to result in an absent or disrupted protein product. Loss-of-function variants in HBB are known to be pathogenic (PMID: 23637309). This variant is present in population databases (rs33986703, gnomAD 0.06%). This premature translational stop signal has been observed in individuals with beta thalassemia (PMID: 88735, 24857915, 26029792). It is commonly reported in individuals of Asian ancestry (PMID: 20412082, 25089872, 25849334, 29695942). This variant is also known as "Codon 17 (A->T)" and "AAG(Lys)->TAG(stop codon) beta0". ClinVar contains an entry for this variant (Variation ID: 15401). Algorithms developed to predict the effect of sequence changes on RNA splicing suggest that this variant may disrupt the consensus splice site. For these reasons, this variant has been classified as Pathogenic.

3billion
Classification: Pathogenic for HBB-related disorder. Last evaluated: 2025-10-09. Review status: criteria provided, single submitter. Criteria: ACMG Guidelines, 2015. Collection method: clinical testing. Allele origin: germline. Affected: yes. Not counted in ClinVar's aggregate classification.
Comment: The variant is observed at an extremely low frequency in the gnomAD v4.1.0 dataset (total allele frequency: 0.001%). Predicted Consequence/Location: Stop-gained (nonsense): predicted to result in a loss or disruption of normal protein function through nonsense-mediated decay (NMD) or protein truncation. Multiple pathogenic variants are reported downstream of the variant. n silico tool prediction suggests damaging effect of the variant on gene or gene product [3Cnet: 1.00 (damaging >0.75, benign <0.1)]. The variant has been reported at least twice as pathogenic with clinical assertions and evidence for the classification (ClinVar ID: VCV000015401 /PMID: 88735 /3billion dataset). Therefore, this variant is classified as Pathogenic according to the recommendation of ACMG/AMP guideline.

Genesolutions, Medical Genetics Institutes, Ho Chi Minh City, Vietnam
Classification: Pathogenic for Beta-thalassemia HBB/LCRB. Last evaluated: 2025-09-24. Review status: criteria provided, single submitter. Criteria: ACMG Guidelines, 2015. Collection method: clinical testing. Allele origin: germline. Affected: yes. Not counted in ClinVar's aggregate classification.

ARUP Laboratories, Molecular Genetics and Genomics, ARUP Laboratories
Classification: Pathogenic. Last evaluated: 2025-07-30. Review status: criteria provided, single submitter. Criteria: ARUP Molecular Germline Variant Investigation Process 2024. Collection method: clinical testing. Allele origin: germline. Not counted in ClinVar's aggregate classification.
Comment: The HBB c.52A>T; p.Lys18Ter variant (also known as Lys17Ter when numbered from the mature protein or as Codon 17 (A>T), rs33986703, HbVar ID: 800) has been reported in multiple individuals with beta thalassemia, and is considered a beta(0) thalassemia variant (HbVar database and references therein). This variant introduces a premature termination codon, so it is predicted to result in a truncated protein or mRNA subject to nonsense-mediated decay. Based on available information, this variant is considered to be pathogenic. References: Link to HbVar